The following is an entry in ClinVar:

NM_001211.6(BUB1B):c.718G>C (p.Ala240Pro)

Gene: BUB1B (BUB1 mitotic checkpoint serine/threonine kinase B; plus strand). Cytogenetic location: 15q15.1.
Variant type: single nucleotide variant.
Coding change: c.718G>C on transcript NM_001211.6 (MANE Select); coding-DNA position 718, G replaced by C.
Protein change: p.Ala240Pro; replaces alanine 240 with proline.
Molecular consequence: missense variant.
Genome position (GRCh38, 1-based): chr15:40,183,850, G>C. VCF-style: chr15-40183850-G-C. GRCh37 (hg19) VCF-style: chr15-40476051-G-C.
Other names: short protein forms A240P.
Identifiers: ClinVar variation 1757589 (VCV001757589.2), dbSNP rs2037326707, ClinGen allele CA391683463.

ClinVar aggregate classification (germline): Uncertain significance (1 of 4 stars; one submission).

Conditions:
Inborn genetic diseases. Identifiers: MedGen C0950123, MeSH D030342.

Allele frequency attached by ClinVar (database versions not stated): TOPMed 0.00001.

Submission:

Ambry Genetics
Classification: Uncertain significance for Inborn genetic diseases. Last evaluated: 2022-09-30. Review status: criteria provided, single submitter. Criteria: Ambry Variant Classification Scheme 2023. Collection method: clinical testing. Allele origin: germline.
Comment: The p.A240P variant (also known as c.718G>C), located in coding exon 6 of the BUB1B gene, results from a G to C substitution at nucleotide position 718. The alanine at codon 240 is replaced by proline, an amino acid with highly similar properties. This amino acid position is conserved. In addition, this alteration is predicted to be tolerated by in silico analysis. Since supporting evidence is limited at this time, the clinical significance of this alteration remains unclear.